The following is an entry in ClinVar:

ClinVar aggregate classification (germline): Uncertain significance. Review status: criteria provided, single submitter (1 of 4 stars). 2 submissions from 2 submitters: Uncertain significance (1). 1 of the submissions does not count toward it. Last evaluated 2020-11-27.

Conditions:
Nephrolithiasis susceptibility caused by SLC26A1 (CAON1). Also called: NEPHROLITHIASIS, CALCIUM OXALATE, 1. Identifiers: MedGen C5779632, MONDO:0020722, OMIM 167030.

Submissions (2):

Labcorp Genetics (formerly Invitae), Labcorp
Classification: Uncertain significance. Last evaluated: 2020-11-27. Review status: criteria provided, single submitter. Criteria: Invitae Variant Classification Sherloc (09022015). Collection method: clinical testing. Allele origin: germline.
Comment: In summary, the available evidence is currently insufficient to determine the role of this variant in disease. Therefore, it has been classified as a Variant of Uncertain Significance. Algorithms developed to predict the effect of sequence changes on RNA splicing suggest that this variant may create or strengthen a splice site, but this prediction has not been confirmed by published transcriptional studies. This variant has not been reported in the literature in individuals with SLC26A1-related conditions. This variant is not present in population databases (ExAC no frequency). This sequence change creates a premature translational stop signal (p.Tyr522*) in the SLC26A1 gene. While this is not anticipated to result in nonsense mediated decay, it is expected to disrupt the last 180 amino acid(s) of the SLC26A1 protein.

Chinese Inherited Urolithiasis Consortium, The Affiliated Yantai Yuhuangding Hospital of Qingdao University
Classification: Pathogenic for Nephrolithiasis susceptibility caused by SLC26A1. Last evaluated: 2024-08-26. Review status: no assertion criteria provided. Collection method: clinical testing. Allele origin: maternal. Affected: yes. Observed: 1 variant allele. Not counted in ClinVar's aggregate classification.

NM_022042.4(SLC26A1):c.1566C>G (p.Tyr522Ter)

Genes: IDUA (alpha-L-iduronidase; plus strand), SLC26A1 (solute carrier family 26 member 1; minus strand). Cytogenetic location: 4p16.3.
Variant type: single nucleotide variant.
Coding change: c.1566C>G on transcript NM_022042.4 (MANE Select); coding-DNA position 1566, C replaced by G.
Protein change: p.Tyr522Ter; replaces tyrosine 522 with a stop codon.
Molecular consequence: nonsense. On other transcripts: intron variant (2).
Genome position (GRCh38, 1-based): chr4:989,373, G>C on the plus strand (C>G on the coding strand, the complement: SLC26A1 is on the minus strand). VCF-style: chr4-989373-G-C. GRCh37 (hg19) VCF-style: chr4-983161-G-C.
Other names: c.1566C>G, p.Tyr522Ter (NM_213613.4); c.576+1755C>G (NM_134425.4); c.299+1424G>C (NM_000203.5); short protein forms Y522*.
Identifiers: ClinVar variation 1504158 (VCV001504158.8), dbSNP rs752562626, ClinGen allele CA355950769.